The following is an entry in ClinVar:

NM_000138.5(FBN1):c.2539+1G>C

Gene: FBN1 (fibrillin 1; minus strand). Cytogenetic location: 15q21.1.
Variant type: single nucleotide variant.
Coding change: c.2539+1G>C on transcript NM_000138.5 (MANE Select); the canonical splice donor site of the intron after coding-DNA position 2539, G replaced by C.
Molecular consequence: splice donor variant.
Genome position (GRCh38, 1-based): chr15:48,495,468, C>G on the plus strand (G>C on the coding strand, the complement: FBN1 is on the minus strand). VCF-style: chr15-48495468-C-G. GRCh37 (hg19) VCF-style: chr15-48787665-C-G.
Other names: c.2539+1G>C (NM_001406716.1).
Identifiers: ClinVar variation 860190 (VCV000860190.11), dbSNP rs794728192, ClinGen allele CA392334195.

ClinVar aggregate classification (germline): Pathogenic (1 of 4 stars; one submission).

Conditions:
Familial thoracic aortic aneurysm and aortic dissection (TAAD). Also called: Thoracic aortic aneurysms and dissections. Identifiers: Orphanet 91387, MedGen C4707243, MONDO:0019625.
Marfan syndrome (MFS). Also called: FBN1-Related Marfan Syndrome; Marfan's syndrome; MARFAN SYNDROME, TYPE I; Marfan syndrome type 1; Marfan syndrome, classic. Identifiers: Orphanet 284963, Orphanet 558, MedGen C0024796, MONDO:0007947, OMIM 154700.

Submission:

Labcorp Genetics (formerly Invitae), Labcorp
Classification: Pathogenic for Marfan syndrome; Familial thoracic aortic aneurysm and aortic dissection. Last evaluated: 2019-12-30. Review status: criteria provided, single submitter. Criteria: Invitae Variant Classification Sherloc (09022015). Collection method: clinical testing. Allele origin: germline.
Comment: This variant is not present in population databases (ExAC no frequency). This sequence change affects a donor splice site in intron 21 of the FBN1 gene. It is expected to disrupt RNA splicing and likely results in an absent or disrupted protein product. Disruption of this splice site has been observed in individual(s) with clinical features of Marfan syndrome (PMID: 12161601, Invitae). For these reasons, this variant has been classified as Pathogenic. Donor and acceptor splice site variants typically lead to a loss of protein function (PMID: 16199547), and loss-of-function variants in FBN1 are known to be pathogenic (PMID: 17657824, 19293843). Algorithms developed to predict the effect of sequence changes on RNA splicing suggest that this variant may disrupt the consensus splice site, but this prediction has not been confirmed by published transcriptional studies.

Literature cited by the submitters: PubMed 12161601; PubMed 16199547; PubMed 17657824; PubMed 19293843.